The following is an entry in ClinVar:

NM_032520.5(GNPTG):c.684C>G (p.Thr228=)

Gene: GNPTG (N-acetylglucosamine-1-phosphate transferase subunit gamma; plus strand). Cytogenetic location: 16p13.3.
Variant type: single nucleotide variant.
Coding change: c.684C>G on transcript NM_032520.5 (MANE Select); coding-DNA position 684, C replaced by G.
Protein change: p.Thr228=; no amino-acid change (threonine 228 retained).
Molecular consequence: synonymous variant.
Genome position (GRCh38, 1-based): chr16:1,362,685, C>G. VCF-style: chr16-1362685-C-G. GRCh37 (hg19) VCF-style: chr16-1412686-C-G.
Identifiers: ClinVar variation 758904 (VCV000758904.15), dbSNP rs150965148, ClinGen allele CA7807881.
Genomic context (GRCh38, chr16:1,362,685, plus strand): 5'-GCTGAGGACACTTTTTGAGGATGCTGGCTACTTAAAGACCCCAGAAGAAAATGAACCCAC[C>G]CAGCTGGAGGGAGGTCCTGACAGCTTGGGGTTTGAGACCCTGGAAAACTGCAGGAAGGTA-3'
Protein context (NP_115909.1, residues 218-238): YLKTPEENEP[Thr228=]QLEGGPDSLG

ClinVar aggregate classification (germline): Likely benign. Review status: criteria provided, multiple submitters, no conflicts (2 of 4 stars). 4 submissions from 4 submitters: Likely benign (2). 2 of the submissions do not count toward it. Last evaluated 2026-01-14.

Conditions:
GNPTG-mucolipidosis. Also called: MUCOLIPIDOSIS III, COMPLEMENTATION GROUP C; MUCOLIPIDOSIS III, IRANIAN VARIANT FORM; MUCOLIPIDOSIS III, VARIANT FORM; ML III GAMMA; ML IIIC; Mucolipidosis type III gamma. Identifiers: Orphanet 423470, Orphanet 577, MedGen C1854896, MONDO:0009652, OMIM 252605.
GNPTG-related disorder. Also called: GNPTG-related condition.

Allele frequency attached by ClinVar (database versions not stated): gnomAD exomes 0.00005 and 0.00012; ExAC 0.00017; 1000 Genomes Project 0.00020; 1000 Genomes Project 30x 0.00031; ESP Exome Variant Server 0.00038; gnomAD 0.00054 and 0.00060; TOPMed 0.00058.

Submissions (4):

Labcorp Genetics (formerly Invitae), Labcorp
Classification: Likely benign. Last evaluated: 2026-01-14. Review status: criteria provided, single submitter. Criteria: Invitae Variant Classification Sherloc (09022015). Collection method: clinical testing. Allele origin: germline.

Blueprint Genetics
Classification: Likely benign. Last evaluated: 2023-02-01. Review status: criteria provided, single submitter. Criteria: ACMG Guidelines, 2015. Collection method: clinical testing. Allele origin: germline.

Natera, Inc.
Classification: Likely benign for Mucolipidosis III gamma. Last evaluated: 2020-01-15. Review status: no assertion criteria provided. Collection method: clinical testing. Allele origin: germline. Not counted in ClinVar's aggregate classification.

PreventionGenetics, part of Exact Sciences
Classification: Likely benign for GNPTG-related condition. Last evaluated: 2019-11-26. Review status: no assertion criteria provided. Collection method: clinical testing. Allele origin: germline. Not counted in ClinVar's aggregate classification.
Comment: This variant is classified as likely benign based on ACMG/AMP sequence variant interpretation guidelines (Richards et al. 2015 PMID: 25741868, with internal and published modifications).